The following is an entry in ClinVar:

NM_014003.4(DHX38):c.1107G>T (p.Gln369His)

Gene: DHX38 (DEAH-box helicase 38; plus strand). Cytogenetic location: 16q22.2.
Variant type: single nucleotide variant.
Coding change: c.1107G>T on transcript NM_014003.4 (MANE Select); coding-DNA position 1107, G replaced by T.
Protein change: p.Gln369His; replaces glutamine 369 with histidine.
Molecular consequence: missense variant.
Genome position (GRCh38, 1-based): chr16:72,099,878, G>T. VCF-style: chr16-72099878-G-T. GRCh37 (hg19) VCF-style: chr16-72133777-G-T.
Other names: short protein forms Q369H.
Identifiers: ClinVar variation 1466391 (VCV001466391.8), dbSNP rs2144141883, ClinGen allele CA396704622.

ClinVar aggregate classification (germline): Uncertain significance (1 of 4 stars; one submission).

Submission:

Labcorp Genetics (formerly Invitae), Labcorp
Classification: Uncertain significance. Last evaluated: 2022-09-01. Review status: criteria provided, single submitter. Criteria: Invitae Variant Classification Sherloc (09022015). Collection method: clinical testing. Allele origin: germline.
Comment: This variant has not been reported in the literature in individuals affected with DHX38-related conditions. In summary, the available evidence is currently insufficient to determine the role of this variant in disease. Therefore, it has been classified as a Variant of Uncertain Significance. Algorithms developed to predict the effect of missense changes on protein structure and function are either unavailable or do not agree on the potential impact of this missense change (SIFT: "Deleterious"; PolyPhen-2: "Probably Damaging"; Align-GVGD: "Class C15"). ClinVar contains an entry for this variant (Variation ID: 1466391). This variant is not present in population databases (gnomAD no frequency). This sequence change replaces glutamine, which is neutral and polar, with histidine, which is basic and polar, at codon 369 of the DHX38 protein (p.Gln369His).